The following is an entry in ClinVar:

NM_001211.6(BUB1B):c.2417A>T (p.Tyr806Phe)

Gene: BUB1B (BUB1 mitotic checkpoint serine/threonine kinase B; plus strand). Cytogenetic location: 15q15.1.
Variant type: single nucleotide variant.
Coding change: c.2417A>T on transcript NM_001211.6 (MANE Select); coding-DNA position 2417, A replaced by T.
Protein change: p.Tyr806Phe; replaces tyrosine 806 with phenylalanine.
Molecular consequence: missense variant.
Genome position (GRCh38, 1-based): chr15:40,212,530, A>T. VCF-style: chr15-40212530-A-T. GRCh37 (hg19) VCF-style: chr15-40504731-A-T.
Other names: short protein forms Y806F.
Identifiers: ClinVar variation 4703058 (VCV004703058.1).

ClinVar aggregate classification (germline): Uncertain significance (1 of 4 stars; one submission).

Conditions:
Mosaic variegated aneuploidy syndrome 1 (MVA1). Also called: Warburton-Anyane-Yeboa syndrome. Identifiers: Orphanet 1052, MedGen C1850343, MONDO:0009759, OMIM 257300.

Submission:

Labcorp Genetics (formerly Invitae), Labcorp
Classification: Uncertain significance for Mosaic variegated aneuploidy syndrome 1. Last evaluated: 2025-06-12. Review status: criteria provided, single submitter. Criteria: Invitae Variant Classification Sherloc (09022015). Collection method: clinical testing. Allele origin: germline.
Comment: This sequence change replaces tyrosine, which is neutral and polar, with phenylalanine, which is neutral and non-polar, at codon 806 of the BUB1B protein (p.Tyr806Phe). This variant is not present in population databases (gnomAD no frequency). This variant has not been reported in the literature in individuals affected with BUB1B-related conditions. An algorithm developed to predict the effect of missense changes on protein structure and function (PolyPhen-2) suggests that this variant is likely to be disruptive. In summary, the available evidence is currently insufficient to determine the role of this variant in disease. Therefore, it has been classified as a Variant of Uncertain Significance.